The following is an entry in ClinVar:

ClinVar aggregate classification (germline): Likely benign. Review status: criteria provided, multiple submitters, no conflicts (2 of 4 stars). 3 submissions from 3 submitters: Likely benign (3). Last evaluated 2023-11-30.

Conditions:
Loeys-Dietz syndrome 2 (LDS2). Also called: TGFBR2-Related Loeys-Dietz Syndrome; AORTIC ANEURYSM, FAMILIAL THORACIC 3; MARFAN SYNDROME, TYPE II; Marfan Syndrome type 2; Marfan like connective tissue disorder; MFS 2. Identifiers: Orphanet 284973, Orphanet 558, MedGen C2674574, MONDO:0012427, OMIM 610168.
Familial thoracic aortic aneurysm and aortic dissection (TAAD). Also called: Thoracic aortic aneurysms and dissections. Identifiers: Orphanet 91387, MedGen C4707243, MONDO:0019625.

Allele frequency attached by ClinVar (database versions not stated): gnomAD exomes 0.00001; TOPMed 0.00001.
gnomAD v4.1: 4 of 1,614,208 alleles (0.00025%); highest among the groups gnomAD compares: Middle Eastern, 0.016%; no homozygotes.

Submissions (3):

All of Us Research Program, National Institutes of Health
Classification: Likely benign for Loeys-Dietz syndrome 2. Last evaluated: 2023-11-30. Review status: criteria provided, single submitter. Criteria: ACMG Guidelines, 2015. Collection method: clinical testing. Allele origin: germline. Inheritance: Autosomal dominant inheritance. Observed: 2 variant alleles, 2 heterozygotes.
Comment: This study involves interpretation of variants in research participants for the purpose of population health screening. Participant phenotype was not available at the time of variant classification. Additional details can be found in publication PMID: 35346344, PMCID: PMC8962531

Labcorp Genetics (formerly Invitae), Labcorp
Classification: Likely benign for Familial thoracic aortic aneurysm and aortic dissection. Last evaluated: 2022-09-07. Review status: criteria provided, single submitter. Criteria: Invitae Variant Classification Sherloc (09022015). Collection method: clinical testing. Allele origin: germline.

Color Diagnostics, LLC DBA Color Health
Classification: Likely benign for Familial thoracic aortic aneurysm and aortic dissection. Last evaluated: 2021-12-21. Review status: criteria provided, single submitter. Criteria: ACMG Guidelines, 2015. Collection method: clinical testing. Allele origin: germline.

NM_003242.6(TGFBR2):c.621G>A (p.Arg207=)

Gene: TGFBR2 (transforming growth factor beta receptor 2; plus strand). Cytogenetic location: 3p24.1.
Variant type: single nucleotide variant.
Coding change: c.621G>A on transcript NM_003242.6 (MANE Select); coding-DNA position 621, G replaced by A.
Protein change: p.Arg207=; no amino-acid change (arginine 207 retained).
Molecular consequence: synonymous variant. On other transcripts: intron variant (1).
Genome position (GRCh38, 1-based): chr3:30,671,804, G>A. VCF-style: chr3-30671804-G-A. GRCh37 (hg19) VCF-style: chr3-30713296-G-A.
Other names: c.696G>A, p.Arg232= (NM_001024847.3); c.804G>A, p.Arg268= (NM_001407126.1); c.729G>A, p.Arg243= (NM_001407127.1); c.648G>A, p.Arg216= (NM_001407128.1); c.624G>A, p.Arg208= (NM_001407129.1); c.621G>A, p.Arg207= (NM_001407130.1); c.516G>A, p.Arg172= (NM_001407132.1, NM_001407133.1, NM_001407134.1 and 2 more transcripts); c.336G>A, p.Arg112= (NM_001407137.1); and 2 more.
Identifiers: ClinVar variation 344657 (VCV000344657.16), dbSNP rs886058304, ClinGen allele CA10618020.